The following is an entry in ClinVar:

ClinVar aggregate classification (germline): Benign (0 of 4 stars; one submission).

Conditions:
VWA2-related disorder. Also called: VWA2-related condition.

Allele frequency attached by ClinVar (database versions not stated): ExAC 0.07321; 1000 Genomes Project 0.08327; 1000 Genomes Project 30x 0.08542; ESP Exome Variant Server 0.09234; gnomAD 0.09298; TOPMed 0.09494.
gnomAD v4.1: 120,350 of 1,608,136 alleles (7.5%); highest among the groups gnomAD compares: African/African-American, 14%; 4,920 homozygotes.

Submission:

PreventionGenetics, part of Exact Sciences
Classification: Benign for VWA2-related condition. Last evaluated: 2019-09-17. Review status: no assertion criteria provided. Collection method: clinical testing. Allele origin: germline.
Comment: This variant is classified as benign based on ACMG/AMP sequence variant interpretation guidelines (Richards et al. 2015 PMID: 25741868, with internal and published modifications).

NM_001272046.2(VWA2):c.-9T>A

Gene: VWA2 (von Willebrand factor A domain containing 2; plus strand). Cytogenetic location: 10q25.3.
Variant type: single nucleotide variant.
Coding change: c.-9T>A on transcript NM_001272046.2 (MANE Select); 9 bases upstream of the start codon, T replaced by A.
Molecular consequence: 5 prime UTR variant.
Genome position (GRCh38, 1-based): chr10:114,248,705, T>A. VCF-style: chr10-114248705-T-A. GRCh37 (hg19) VCF-style: chr10-116008464-T-A.
Other names: c.-9T>A (NM_001320804.1).
Identifiers: ClinVar variation 3055865 (VCV003055865.2), dbSNP rs9665610, ClinGen allele CA5700144.